The following is an entry in ClinVar:

NC_000010.11:g.43126578_43126586del

Gene: RET (ret proto-oncogene; plus strand). Cytogenetic location: 10q11.21.
Variant type: Deletion.
Genome position: GRCh38 VCF-style: chr10-43126573-AGGACTACTT-A. GRCh37 (hg19) VCF-style: chr10-43622021-AGGACTACTT-A.
Identifiers: ClinVar variation 1428581 (VCV001428581.6), dbSNP rs2133032314, ClinGen allele CA2573145082.

ClinVar aggregate classification (germline): Uncertain significance (1 of 4 stars; one submission).

Conditions:
Multiple endocrine neoplasia, type 2 (MEN2). Identifiers: Orphanet 653, MedGen C4048306, MONDO:0019003. Disease mechanism: gain of function.

Submission:

Labcorp Genetics (formerly Invitae), Labcorp
Classification: Uncertain significance for Multiple endocrine neoplasia, type 2. Last evaluated: 2021-11-08. Review status: criteria provided, single submitter. Criteria: Invitae Variant Classification Sherloc (09022015). Collection method: clinical testing. Allele origin: germline.
Comment: This variant is not present in population databases (gnomAD no frequency). This variant, c.3043_3051del, results in the deletion of 3 amino acid(s) of the RET protein (p.Tyr1015_Asp1017del), but otherwise preserves the integrity of the reading frame. In summary, the available evidence is currently insufficient to determine the role of this variant in disease. Therefore, it has been classified as a Variant of Uncertain Significance. Experimental studies and prediction algorithms are not available or were not evaluated, and the functional significance of this variant is currently unknown. This variant has not been reported in the literature in individuals affected with RET-related conditions.